The following is an entry in ClinVar:

ClinVar aggregate classification (germline): Conflicting classifications of pathogenicity. Review status: criteria provided, conflicting classifications (1 of 4 stars). 4 submissions from 3 submitters: Likely pathogenic (2); Uncertain significance (2). Last evaluated 2024-06-17.

Conditions:
Cockayne syndrome. Identifiers: Orphanet 191, MedGen C0009207, MONDO:0016006.
Cerebrooculofacioskeletal syndrome 1 (COFS1). Also called: Cerebro-oculo-facio-skeletal syndrome 1. Identifiers: MedGen C0220722, MONDO:0008955, OMIM 214150.

Allele frequency attached by ClinVar (database versions not stated): gnomAD exomes below 0.00001; TOPMed below 0.00001.
gnomAD v4.1: 7 of 1,614,062 alleles (0.00043%); highest among the groups gnomAD compares: Non-Finnish European, 0.00051%; no homozygotes.

Submissions (4):

Blueprint Genetics
Classification: Uncertain significance. Last evaluated: 2024-06-17. Review status: criteria provided, single submitter. Criteria: ACMG Guidelines, 2015. Collection method: clinical testing. Allele origin: germline.

Labcorp Genetics (formerly Invitae), Labcorp
Classification: Uncertain significance. Last evaluated: 2021-08-26. Review status: criteria provided, single submitter. Criteria: Invitae Variant Classification Sherloc (09022015). Collection method: clinical testing. Allele origin: germline.
Comment: This sequence change replaces leucine with proline at codon 530 of the ERCC6 protein (p.Leu530Pro). The leucine residue is highly conserved and there is a moderate physicochemical difference between leucine and proline. This variant is not present in population databases (ExAC no frequency). This variant has not been reported in the literature in individuals affected with ERCC6-related conditions. ClinVar contains an entry for this variant (Variation ID: 374116). Algorithms developed to predict the effect of missense changes on protein structure and function (SIFT, PolyPhen-2, Align-GVGD) all suggest that this variant is likely to be disruptive. In summary, the available evidence is currently insufficient to determine the role of this variant in disease. Therefore, it has been classified as a Variant of Uncertain Significance.

Centre for Mendelian Genomics, University Medical Centre Ljubljana
Classification: Likely pathogenic for Cerebrooculofacioskeletal syndrome 1. Last evaluated: 2016-01-01. Review status: criteria provided, single submitter. Criteria: ACMG Guidelines, 2015. Collection method: clinical testing. Allele origin: unknown. Affected: yes.
Comment: This variant was classified as: Likely pathogenic. This variant was detected in homozygous state.

Centre for Mendelian Genomics, University Medical Centre Ljubljana
Classification: Likely pathogenic for Cockayne syndrome. Last evaluated: 2015-06-22. Review status: criteria provided, single submitter. Criteria: ACMG Guidelines, 2015. Collection method: clinical testing. Allele origin: unknown. Affected: yes.

NM_000124.4(ERCC6):c.1589T>C (p.Leu530Pro)

Gene: ERCC6 (ERCC excision repair 6, chromatin remodeling factor; minus strand). Cytogenetic location: 10q11.23.
Variant type: single nucleotide variant.
Coding change: c.1589T>C on transcript NM_000124.4 (MANE Select); coding-DNA position 1589, T replaced by C.
Protein change: p.Leu530Pro; replaces leucine 530 with proline.
Molecular consequence: missense variant.
Genome position (GRCh38, 1-based): chr10:49,500,634, A>G on the plus strand (T>C on the coding strand, the complement: ERCC6 is on the minus strand). VCF-style: chr10-49500634-A-G. GRCh37 (hg19) VCF-style: chr10-50708680-A-G.
Other names: c.1589T>C, p.Leu530Pro (NM_001346440.2); short protein forms L530P.
Identifiers: ClinVar variation 374116 (VCV000374116.11), dbSNP rs1057518910, ClinGen allele CA16043449.